The following is an entry in ClinVar:

NM_005902.4(SMAD3):c.483del (p.Glu162fs)

Gene: SMAD3 (SMAD family member 3; plus strand). Cytogenetic location: 15q22.33.
Variant type: Deletion.
Coding change: c.483del on transcript NM_005902.4 (MANE Select); coding-DNA position 483, one base deleted (C; older notation c.483delC).
Protein change: p.Glu162fs; shifts the reading frame from glutamic acid 162.
Molecular consequence: frameshift variant.
Genome position (GRCh38, 1-based): chr15:67,165,335, C deleted; the last of 4 consecutive C bases (chr15:67,165,332-67,165,335); deleting any one gives the same sequence. VCF-style (leftmost placement, unchanged base first): chr15-67165331-TC-T. GRCh37 (hg19) VCF-style: chr15-67457669-TC-T.
Other names: c.483del (NM_005902.3); c.168del, p.Glu57fs (NM_001145102.2); c.351del, p.Glu118fs (NM_001145103.2); c.483delC (NM_005902.3); short protein forms E162fs, E118fs, E57fs.
Identifiers: ClinVar variation 213808 (VCV000213808.3), dbSNP rs863223771, ClinGen allele CA323716.

ClinVar aggregate classification (germline): Pathogenic. Review status: criteria provided, multiple submitters, no conflicts (2 of 4 stars). 2 submissions from 2 submitters: Pathogenic (2). Last evaluated 2024-12-10.

Conditions:
SMAD3-related disorder. Also called: SMAD3-related condition.

Submissions (2):

GeneDx
Classification: Pathogenic. Last evaluated: 2024-12-10. Review status: criteria provided, single submitter. Criteria: GeneDx Variant Classification Process June 2021. Collection method: clinical testing. Allele origin: germline. Affected: yes.
Comment: Frameshift variant predicted to result in protein truncation or nonsense mediated decay in a gene for which loss of function is a known mechanism of disease; Not observed at significant frequency in large population cohorts (gnomAD); This variant is associated with the following publications: (PMID: 34916229, 26633542)

Blueprint Genetics
Classification: Pathogenic for SMAD3-related disorders. Last evaluated: 2022-11-29. Review status: criteria provided, single submitter. Criteria: ACMG Guidelines, 2015. Collection method: clinical testing. Allele origin: germline. Affected: yes. Observed: 5 variant alleles.